The following is an entry in ClinVar:

NM_001378778.1(MPDZ):c.1456A>G (p.Asn486Asp)

Gene: MPDZ (multiple PDZ domain crumbs cell polarity complex component; minus strand). Cytogenetic location: 9p23.
Variant type: single nucleotide variant.
Coding change: c.1456A>G on transcript NM_001378778.1 (MANE Select); coding-DNA position 1456, A replaced by G.
Protein change: p.Asn486Asp; replaces asparagine 486 with aspartic acid.
Molecular consequence: missense variant.
Genome position (GRCh38, 1-based): chr9:13,205,934, T>C on the plus strand (A>G on the coding strand, the complement: MPDZ is on the minus strand). VCF-style: chr9-13205934-T-C. GRCh37 (hg19) VCF-style: chr9-13205933-T-C.
Other names: c.1456A>G, p.Asn486Asp (NM_001261406.2, NM_001261407.2, NM_001330637.2 and 14 more transcripts); short protein forms N486D.
Identifiers: ClinVar variation 1376197 (VCV001376197.6), dbSNP rs2135673262, ClinGen allele CA372943054.

ClinVar aggregate classification (germline): Uncertain significance (1 of 4 stars; one submission).

Submission:

Labcorp Genetics (formerly Invitae), Labcorp
Classification: Uncertain significance. Last evaluated: 2021-08-19. Review status: criteria provided, single submitter. Criteria: Invitae Variant Classification Sherloc (09022015). Collection method: clinical testing. Allele origin: germline.
Comment: In summary, the available evidence is currently insufficient to determine the role of this variant in disease. Therefore, it has been classified as a Variant of Uncertain Significance. Algorithms developed to predict the effect of missense changes on protein structure and function output the following: SIFT: "Deleterious"; PolyPhen-2: "Benign"; Align-GVGD: "Class C0". The aspartic acid amino acid residue is found in multiple mammalian species, which suggests that this missense change does not adversely affect protein function. This variant has not been reported in the literature in individuals affected with MPDZ-related conditions. This variant is not present in population databases (ExAC no frequency). This sequence change replaces asparagine with aspartic acid at codon 486 of the MPDZ protein (p.Asn486Asp). The asparagine residue is weakly conserved and there is a small physicochemical difference between asparagine and aspartic acid.